The following is an entry in ClinVar:

ClinVar aggregate classification (germline): Benign/Likely benign. Review status: criteria provided, multiple submitters, no conflicts (2 of 4 stars). 12 submissions from 12 submitters: Benign (1); Likely benign (5). 6 of the submissions do not count toward it. Last evaluated 2026-05-20.

Conditions:
BRCA2-related disorder. Also called: BRCA2-related condition; BRCA2-related disorders. Identifiers: MedGen CN239275.
Hereditary cancer-predisposing syndrome. Also called: Hereditary Cancer Syndrome; Hereditary neoplastic syndrome; Tumor predisposition; Neoplastic Syndromes, Hereditary. Identifiers: Orphanet 140162, MedGen C0027672, MeSH D009386, MONDO:0015356.
Hereditary breast ovarian cancer syndrome. Also called: Breast and ovarian cancer; Hereditary breast and ovarian cancer syndrome; BRCA1- and BRCA2-Associated Hereditary Breast and Ovarian Cancer; Hereditary breast and ovarian cancer syndrome (HBOC); Hereditary breast and ovarian cancer; Hereditary breast and/or ovarian cancer syndrome. Identifiers: Orphanet 145, MedGen C0677776, MeSH D061325, MONDO:0003582. Disease mechanism: loss of function.
Breast-ovarian cancer, familial, susceptibility to, 2 (BROVCA2). Also called: BRCA2 Hereditary Breast and Ovarian Cancer. Identifiers: Orphanet 145, MedGen C2675520, MONDO:0012933, OMIM 612555. Disease mechanism: loss of function.
Malignant tumor of breast. Also called: Cancer breast; Malignant breast neoplasm. Identifiers: MedGen C0006142, MONDO:0007254. Disease mechanism: loss of function.

Allele frequency attached by ClinVar (database versions not stated): gnomAD exomes 0.00002; ExAC 0.00001.
gnomAD v4.1: 27 of 1,613,932 alleles (0.0017%); highest among the groups gnomAD compares: Non-Finnish European, 0.002%; no homozygotes.

Submissions (12):

Women's Health and Genetics/Laboratory Corporation of America, LabCorp
Classification: Likely benign. Last evaluated: 2026-05-20. Review status: criteria provided, single submitter. Criteria: LabCorp Variant Classification Summary - May 2015. Collection method: clinical testing. Allele origin: germline.
Comment: Variant summary: BRCA2 c.8027T>C (p.Met2676Thr) results in a non-conservative amino acid change in the encoded protein sequence. Algorithms developed to predict the effect of missense changes on protein structure and function are either unavailable or do not agree on the potential impact of this missense change. The variant allele was found at a frequency of 1.6e-05 in 251108 control chromosomes. The available data on variant occurrences in the general population are insufficient to allow any conclusion about variant significance. c.8027T>C has been reported in the literature to have a benign HDR (homology directed repair) activity score of 5.66 (95% CI 4.86-6.57), also citing other studies such as Ikegami_2020 reporting a neutral outcome utilizing BRCA2-deficient cells and poly (ADP-ribose) polymerase (PARP) inhibitors (Olaparib, Niraparib, Rucaparib, CBDCA) and an ACMG categorization of BS3, BP4 for a final classification of likely benign (Richardson_2021). This is further supported by Lindor_2012 reporting a neutral outcome based on multifactorial data and the ClinGen SVI criteria that now recognize ACMG BS3 criterion as sufficient evidence for a likely benign outcome (Tavtigian_2018). The following publications have been ascertained in the context of this evaluation (PMID: 32444794, 23108138, 33609447). ClinVar contains an entry for this variant (Variation ID: 38136). Based on the evidence outlined above, the variant was classified as likely benign.

Labcorp Genetics (formerly Invitae), Labcorp
Classification: Likely benign for Hereditary breast ovarian cancer syndrome. Last evaluated: 2025-12-08. Review status: criteria provided, single submitter. Criteria: Invitae Variant Classification Sherloc (09022015). Collection method: clinical testing. Allele origin: germline.

GeneDx
Classification: Likely benign. Last evaluated: 2019-07-24. Review status: criteria provided, single submitter. Criteria: GeneDx Variant Classification Process June 2021. Collection method: clinical testing. Allele origin: germline. Affected: yes.
Comment: This variant is associated with the following publications: (PMID: 21990134, 23108138, 24323938, 20104584, 18824701, 19043619, 31131967, 29394989, 29884841)

Ambry Genetics
Classification: Likely benign for Hereditary cancer-predisposing syndrome. Last evaluated: 2018-11-21. Review status: criteria provided, single submitter. Criteria: Ambry Variant Classification Scheme 2023. Collection method: clinical testing. Allele origin: germline.

Quest Diagnostics Nichols Institute San Juan Capistrano
Classification: Likely benign. Last evaluated: 2018-11-08. Review status: criteria provided, single submitter. Criteria: Quest Diagnostics criteria. Collection method: clinical testing. Allele origin: germline.

Color Diagnostics, LLC DBA Color Health
Classification: Benign for Hereditary cancer-predisposing syndrome. Last evaluated: 2016-04-28. Review status: criteria provided, single submitter. Criteria: ACMG Guidelines, 2015. Collection method: clinical testing. Allele origin: germline.

PreventionGenetics, part of Exact Sciences
Classification: Likely benign for BRCA2-related condition. Last evaluated: 2024-08-19. Review status: no assertion criteria provided. Collection method: clinical testing. Allele origin: germline. Not counted in ClinVar's aggregate classification.
Comment: This variant is classified as likely benign based on ACMG/AMP sequence variant interpretation guidelines (Richards et al. 2015 PMID: 25741868, with internal and published modifications).

BRCAlab, Lund University
Classification: Likely benign for Breast-ovarian cancer, familial, susceptibility to, 2. Last evaluated: 2020-03-02. Review status: no assertion criteria provided. Collection method: clinical testing. Allele origin: germline. Affected: yes. Not counted in ClinVar's aggregate classification.

Counsyl
Classification: Likely benign for Breast-ovarian cancer, familial, susceptibility to, 2. Last evaluated: 2016-05-10. Review status: no assertion criteria provided. Collection method: clinical testing. Allele origin: unknown. Not counted in ClinVar's aggregate classification.

Sharing Clinical Reports Project (SCRP)
Classification: Benign for Breast-ovarian cancer, familial 2. Last evaluated: 2010-02-05. Review status: no assertion criteria provided. Collection method: clinical testing. Allele origin: germline. Not counted in ClinVar's aggregate classification.

Breast Cancer Information Core (BIC) (BRCA2)
Classification: Uncertain significance for Breast-ovarian cancer, familial 2. Last evaluated: 2000-06-12. Review status: no assertion criteria provided. Collection method: clinical testing. Allele origin: germline. Affected: yes. Observed: 3 variant alleles. Not counted in ClinVar's aggregate classification.

Department of Pathology and Laboratory Medicine, Sinai Health System
Classification: Uncertain significance for Malignant tumor of breast. Review status: no assertion criteria provided. Collection method: clinical testing. Allele origin: unknown. Affected: yes. Observed: 1 variant allele. Study: The Canadian Open Genetics Repository (COGR). Not counted in ClinVar's aggregate classification.
Comment: The BRCA2 p.Met2676Thr variant was identified in 2 of 4410 proband chromosomes (frequency 0.0005) from individuals with breast cancer (Borg 2010, Spearman 2008). The variant was also identified in dbSNP (ID: rs80359038) â€šÃ„ÃºWith unknown alleleâ€šÃ„Ã¹ and LOVD. The p.Met2676Thr residue is not conserved in mammals and lower organisms, and the variant amino acid Threonine (Thr) is present in chicken, increasing the likelihood that this variant does not have clinical significance. Computational analyses (PolyPhen-2, SIFT, AlignGVGD) do not suggest a high likelihood of impact to the protein; however, this information is not predictive enough to rule out pathogenicity. Two functional assays found the variant to be competent at homology-directed repair (Guidugli 2013, Karchin 2008), and three in silico studies predicted this variant to be likely nonpathogenic or neutral (Guidugli 2013, Karchin 2008, Lindor 2012). One histology-based predictive study was inconclusive, but the results for this variant were limited to one tumour specimen (Spearman 2008). In summary, based on the above information, the clinical significance of this variant cannot be determined with certainty at this time. This variant is classified as a variant of unknown significance.

Literature cited by the submitters: PubMed 23108138 (cited by 3 submitters); PubMed 32444794 (cited by Women's Health and Genetics/Laboratory Corporation of America, LabCorp); PubMed 33609447 (cited by Women's Health and Genetics/Laboratory Corporation of America, LabCorp); PubMed 20104584 (cited by Quest Diagnostics Nichols Institute San Juan Capistrano and Counsyl); PubMed 19043619 (cited by Quest Diagnostics Nichols Institute San Juan Capistrano and Counsyl); PubMed 18824701 (cited by Quest Diagnostics Nichols Institute San Juan Capistrano and Counsyl); PubMed 21990134 (cited by Quest Diagnostics Nichols Institute San Juan Capistrano); PubMed 24323938 (cited by Quest Diagnostics Nichols Institute San Juan Capistrano).

NM_000059.4(BRCA2):c.8027T>C (p.Met2676Thr)

Gene: BRCA2 (BRCA2 DNA repair associated; plus strand). Cytogenetic location: 13q13.1.
Variant type: single nucleotide variant.
Coding change: c.8027T>C on transcript NM_000059.4 (MANE Select); coding-DNA position 8027, T replaced by C.
Protein change: p.Met2676Thr; replaces methionine 2676 with threonine.
Molecular consequence: missense variant.
Genome position (GRCh38, 1-based): chr13:32,363,229, T>C. VCF-style: chr13-32363229-T-C. GRCh37 (hg19) VCF-style: chr13-32937366-T-C.
Other names: p.M2676T:ATG>ACG; short protein forms M2676T.
Identifiers: ClinVar variation 38136 (VCV000038136.33), dbSNP rs80359038, ClinGen allele CA025411.
Genomic context (GRCh38, chr13:32,363,229, plus strand): 5'-TCACTTTTAGATATGATACGGAAATTGATAGAAGCAGAAGATCGGCTATAAAAAAGATAA[T>C]GGAAAGGGATGACACAGCTGCAAAAACACTTGTTCTCTGTGTTTCTGACATAATTTCATT-3'
Protein context (NP_000050.3, residues 2666-2686): RSRRSAIKKI[Met2676Thr]ERDDTAAKTL